The following is an entry in ClinVar:

NM_002465.4(MYBPC1):c.832+2T>A

Gene: MYBPC1 (myosin binding protein C1; plus strand). Cytogenetic location: 12q23.2.
Variant type: single nucleotide variant.
Coding change: c.832+2T>A on transcript NM_002465.4 (MANE Select); the canonical splice donor site of the intron after coding-DNA position 832, T replaced by A.
Molecular consequence: splice donor variant.
Genome position (GRCh38, 1-based): chr12:101,642,587, T>A. VCF-style: chr12-101642587-T-A. GRCh37 (hg19) VCF-style: chr12-102036365-T-A.
Other names: c.832+2T>A (NM_206819.4, NM_001404675.1); c.757+2T>A (NM_001254718.3, NM_206820.4, NM_001254719.3 and 1 more transcripts); c.700+2T>A (NM_001254721.3, NM_001404678.1, NM_001404676.1); c.721+2T>A (NM_001254720.3); c.718+2T>A (NM_001254723.3); c.679+2T>A (NM_001254722.3, NM_001404680.1); c.622+2T>A (NM_001404679.1, NM_001404681.1, NM_001404677.1).
Identifiers: ClinVar variation 3297193 (VCV003297193.1).
Genomic context (GRCh38, chr12:101,642,587, plus strand): 5'-CCTGCGCGGCATGCTCAAGCGACTCAAGCGCATGCGCAGAGAGGAGAAGAAGAGCGCAGG[T>A]GAGCGCTCCCGGGGGCGAGGCAGCGGCCGAGGGGCGTGGCAGCGTTCGAAAGCCTTGACC-3'

ClinVar aggregate classification (germline): Uncertain significance (1 of 4 stars; one submission).

Conditions:
Inborn genetic diseases. Identifiers: MedGen C0950123, MeSH D030342.

Submission:

Ambry Genetics
Classification: Uncertain significance for Inborn genetic diseases. Last evaluated: 2024-03-19. Review status: criteria provided, single submitter. Criteria: Ambry Variant Classification Scheme 2023. Collection method: clinical testing. Allele origin: germline.
Comment: The c.832+2T>A intronic alteration results from a T to A substitution two nucleotides after coding exon 11 of the MYBPC1 gene. Alterations that disrupt the canonical splice site are expected to cause aberrant splicing, resulting in an abnormal protein or a transcript that is subject to nonsense-mediated mRNA decay. However, loss of function of MYBPC1 has not been established as a mechanism of disease. This variant was not reported in population-based cohorts in the Genome Aggregation Database (gnomAD). This nucleotide position is highly conserved in available vertebrate species. In silico splice site analysis predicts that this alteration will weaken the native splice donor site. Based on insufficient or conflicting evidence, the clinical significance of this alteration remains unclear.